The following is an entry in ClinVar:

NM_020070.4(IGLL1):c.281_284dup (p.His96fs)

Gene: IGLL1 (immunoglobulin lambda like polypeptide 1; minus strand). Cytogenetic location: 22q11.23.
Variant type: Duplication.
Coding change: c.281_284dup on transcript NM_020070.4 (MANE Select); coding-DNA positions 281 to 284, 4 bases duplicated (TGAC; older notation c.281_284dupTGAC).
Protein change: p.His96fs; shifts the reading frame from histidine 96.
Molecular consequence: frameshift variant. On other transcripts: intron variant (1).
Genome position (GRCh38, 1-based): chr22:23,575,005-23,575,008, GTCA duplicated on the plus strand (TGAC on the coding strand, the reverse complement: IGLL1 is on the minus strand). VCF-style (leftmost placement, unchanged base first): chr22-23575004-C-CGTCA. GRCh37 (hg19) VCF-style: chr22-23917191-C-CGTCA.
Other names: c.284_287dup, p.His97fs (NM_001369906.1); c.207-1423_207-1420dup (NM_152855.3); short protein forms H96fs, H97fs.
Identifiers: ClinVar variation 2033940 (VCV002033940.4), dbSNP rs2517401746, ClinGen allele CA2580099234.

ClinVar aggregate classification (germline): Uncertain significance (1 of 4 stars; one submission).

Conditions:
Agammaglobulinemia 2, autosomal recessive (AGM2). Also called: AGAMMAGLOBULINEMIA, AUTOSOMAL RECESSIVE, DUE TO IGLL1 DEFECT. Identifiers: MedGen C3150750, MONDO:0013287, OMIM 613500.

Allele frequency attached by ClinVar (database versions not stated): gnomAD exomes below 0.00001.

Submission:

Labcorp Genetics (formerly Invitae), Labcorp
Classification: Uncertain significance for Agammaglobulinemia 2, autosomal recessive. Last evaluated: 2022-10-12. Review status: criteria provided, single submitter. Criteria: Invitae Variant Classification Sherloc (09022015). Collection method: clinical testing. Allele origin: germline.
Comment: This sequence change creates a premature translational stop signal (p.His96Aspfs*30) in the IGLL1 gene. While this is not anticipated to result in nonsense mediated decay, it is expected to disrupt the last 118 amino acid(s) of the IGLL1 protein. This variant is not present in population databases (gnomAD no frequency). This variant has not been reported in the literature in individuals affected with IGLL1-related conditions. Experimental studies and prediction algorithms are not available or were not evaluated, and the functional significance of this variant is currently unknown. In summary, the available evidence is currently insufficient to determine the role of this variant in disease. Therefore, it has been classified as a Variant of Uncertain Significance.